The following is an entry in ClinVar:

NM_021813.4(BACH2):c.1259G>C (p.Cys420Ser)

Gene: BACH2 (BACH transcriptional regulator 2; minus strand). Cytogenetic location: 6q15.
Variant type: single nucleotide variant.
Coding change: c.1259G>C on transcript NM_021813.4 (MANE Select); coding-DNA position 1259, G replaced by C.
Protein change: p.Cys420Ser; replaces cysteine 420 with serine.
Molecular consequence: missense variant.
Genome position (GRCh38, 1-based): chr6:89,950,847, C>G on the plus strand (G>C on the coding strand, the complement: BACH2 is on the minus strand). VCF-style: chr6-89950847-C-G. GRCh37 (hg19) VCF-style: chr6-90660566-C-G.
Other names: c.1259G>C, p.Cys420Ser (NM_001170794.2); short protein forms C420S.
Identifiers: ClinVar variation 3011211 (VCV003011211.3), dbSNP rs374299780, ClinGen allele CA3928019.

ClinVar aggregate classification (germline): Uncertain significance (1 of 4 stars; one submission).

Allele frequency attached by ClinVar (database versions not stated): TOPMed 0.00008; gnomAD 0.00010; ESP Exome Variant Server 0.00023; 1000 Genomes Project 0.00060; gnomAD exomes 0.00002; ExAC 0.00005; 1000 Genomes Project 30x 0.00062.
gnomAD v4.1: 42 of 1,613,444 alleles (0.0026%); highest among the groups gnomAD compares: African/African-American, 0.052%; no homozygotes.

Submission:

Labcorp Genetics (formerly Invitae), Labcorp
Classification: Uncertain significance. Last evaluated: 2024-12-25. Review status: criteria provided, single submitter. Criteria: Invitae Variant Classification Sherloc (09022015). Collection method: clinical testing. Allele origin: germline.
Comment: This sequence change replaces cysteine, which is neutral and slightly polar, with serine, which is neutral and polar, at codon 420 of the BACH2 protein (p.Cys420Ser). This variant is present in population databases (rs374299780, gnomAD 0.04%). This variant has not been reported in the literature in individuals affected with BACH2-related conditions. ClinVar contains an entry for this variant (Variation ID: 3011211). Invitae Evidence Modeling of protein sequence and biophysical properties (such as structural, functional, and spatial information, amino acid conservation, physicochemical variation, residue mobility, and thermodynamic stability) indicates that this missense variant is not expected to disrupt BACH2 protein function with a negative predictive value of 80%. In summary, the available evidence is currently insufficient to determine the role of this variant in disease. Therefore, it has been classified as a Variant of Uncertain Significance.